The following is an entry in ClinVar:

NM_022168.4(IFIH1):c.1558A>G (p.Thr520Ala)

Gene: IFIH1 (interferon induced with helicase C domain 1; minus strand). Cytogenetic location: 2q24.2.
Variant type: single nucleotide variant.
Coding change: c.1558A>G on transcript NM_022168.4 (MANE Select); coding-DNA position 1558, A replaced by G.
Protein change: p.Thr520Ala; replaces threonine 520 with alanine.
Molecular consequence: missense variant.
Genome position (GRCh38, 1-based): chr2:162,280,079, T>C on the plus strand (A>G on the coding strand, the complement: IFIH1 is on the minus strand). VCF-style: chr2-162280079-T-C. GRCh37 (hg19) VCF-style: chr2-163136589-T-C.
Other names: p.Thr520Ala; c.1558A>G, p.Thr520Ala (LRG_1235t1); short protein forms T520A.
Identifiers: ClinVar variation 444523 (VCV000444523.53), dbSNP rs145641024, ClinGen allele CA1934486.

ClinVar aggregate classification (germline): Conflicting classifications of pathogenicity. Review status: criteria provided, conflicting classifications (1 of 4 stars). 4 submissions from 4 submitters: Uncertain significance (2); Likely benign (2). Last evaluated 2026-01-19.

Conditions:
Singleton-Merten syndrome 1 (SGMRT1). Also called: Widened medullary cavities of bone, aortic calcification, abnormal dentition, and muscular weakness; Syndrome of widened medullary cavities of the metacarpals and phalanges, aortic calcification and abnormal dentition. Identifiers: Orphanet 85191, MedGen C4225427, MONDO:0024535, OMIM 182250.
Aicardi-Goutieres syndrome 7 (AGS7). Identifiers: Orphanet 51, MedGen C3888244, MONDO:0014367, OMIM 615846.
IFIH1-related disorder. Also called: IFIH1-related condition.

Allele frequency attached by ClinVar (database versions not stated): ExAC 0.00010; ESP Exome Variant Server 0.00015; gnomAD 0.00015 and 0.00016; TOPMed 0.00015; 1000 Genomes Project 30x 0.00016; 1000 Genomes Project 0.00020.
gnomAD v4.1: 228 of 1,605,196 alleles (0.014%); highest among the groups gnomAD compares: Non-Finnish European, 0.017%; 2 homozygotes.

Submissions (5):

Labcorp Genetics (formerly Invitae), Labcorp
Classification: Likely benign for Aicardi-Goutieres syndrome 7; Singleton-Merten syndrome 1. Last evaluated: 2026-01-19. Review status: criteria provided, single submitter. Criteria: Invitae Variant Classification Sherloc (09022015). Collection method: clinical testing. Allele origin: germline.

CeGaT Center for Human Genetics Tuebingen
Classification: Likely benign. Last evaluated: 2026-01-01. Review status: criteria provided, single submitter. Criteria: CeGaT Center For Human Genetics Tuebingen Variant Classification Criteria Version 2. Collection method: clinical testing. Allele origin: germline. Affected: yes. Observed: 2 variant alleles.
Comment: IFIH1: BS2

PreventionGenetics, part of Exact Sciences
Classification: Uncertain significance for IFIH1-related condition. Last evaluated: 2025-09-18. Review status: criteria provided, single submitter. Criteria: ACMG Guidelines, 2015. Collection method: clinical testing. Allele origin: germline.
Comment: The IFIH1 c.1558A>G variant is predicted to result in the amino acid substitution p.Thr520Ala. This variant has been reported in individuals with undifferentiated systemic autoinflammatory disease (SAID) (Kostik et al. 2022. PubMed ID: 35211430; Raupov et al. 2023. PubMed ID: 37342449). This variant is reported in 0.029% of alleles in individuals of Ashkenazi Jewish descent in gnomAD and has conflicting interpretations regarding its pathogenicity in ClinVar, ranging from likely benign to uncertain (Variation ID: 444523). At this time, the clinical significance of this variant is uncertain due to the absence of conclusive functional and genetic evidence.

Mayo Clinic Laboratories, Mayo Clinic
Classification: Uncertain significance. Last evaluated: 2025-04-15. Review status: criteria provided, single submitter. Criteria: ACMG Guidelines, 2015. Collection method: clinical testing. Allele origin: germline. Observed: 2 variant alleles.

Dr. Peter K. Rogan Lab, Western University
No classification provided (evidence only). Condition: Familial cancer of breast. Review status: no classification provided. Collection method: in vitro. Allele origin: not applicable. Functional consequence: retained intron. Not counted in ClinVar's aggregate classification.

Literature cited by the submitters: PubMed 35211430 (cited by Mayo Clinic Laboratories, Mayo Clinic); PubMed 37342449 (cited by Mayo Clinic Laboratories, Mayo Clinic).